The following is an entry in ClinVar:

ClinVar aggregate classification (germline): Uncertain significance. Review status: criteria provided, multiple submitters, no conflicts (2 of 4 stars). 3 submissions from 3 submitters: Uncertain significance (2). 1 of the submissions does not count toward it. Last evaluated 2024-09-15.

Conditions:
AP3B1-related disorder. Also called: AP3B1-related condition.
Hermansky-Pudlak syndrome 2 (HPS2). Also called: Platelet defects and oculocutaneous albinism. Identifiers: Orphanet 183678, Orphanet 79430, MedGen C1842362, MONDO:0011997, OMIM 608233.

Allele frequency attached by ClinVar (database versions not stated): gnomAD 0.00001; TOPMed 0.00002; ExAC 0.00003; gnomAD exomes 0.00003.
gnomAD v4.1: 41 of 1,604,748 alleles (0.0026%); highest among the groups gnomAD compares: Middle Eastern, 0.033%; 1 homozygote.

Submissions (3):

Women's Health and Genetics/Laboratory Corporation of America, LabCorp
Classification: Uncertain significance. Last evaluated: 2024-09-15. Review status: criteria provided, single submitter. Criteria: LabCorp Variant Classification Summary - May 2015. Collection method: clinical testing. Allele origin: germline.

Labcorp Genetics (formerly Invitae), Labcorp
Classification: Uncertain significance for Hermansky-Pudlak syndrome 2. Last evaluated: 2022-07-26. Review status: criteria provided, single submitter. Criteria: Invitae Variant Classification Sherloc (09022015). Collection method: clinical testing. Allele origin: germline.
Comment: In summary, the available evidence is currently insufficient to determine the role of this variant in disease. Therefore, it has been classified as a Variant of Uncertain Significance. Variants that disrupt the consensus splice site are a relatively common cause of aberrant splicing (PMID: 17576681, 9536098). Algorithms developed to predict the effect of sequence changes on RNA splicing suggest that this variant is not likely to affect RNA splicing. ClinVar contains an entry for this variant (Variation ID: 1036150). This variant has not been reported in the literature in individuals affected with AP3B1-related conditions. This variant is present in population databases (rs779017901, gnomAD 0.01%). This sequence change falls in intron 25 of the AP3B1 gene. It does not directly change the encoded amino acid sequence of the AP3B1 protein. It affects a nucleotide within the consensus splice site.

PreventionGenetics, part of Exact Sciences
Classification: Likely benign for AP3B1-related condition. Last evaluated: 2019-11-26. Review status: no assertion criteria provided. Collection method: clinical testing. Allele origin: germline. Not counted in ClinVar's aggregate classification.
Comment: This variant is classified as likely benign based on ACMG/AMP sequence variant interpretation guidelines (Richards et al. 2015 PMID: 25741868, with internal and published modifications).

Literature cited by the submitters: PubMed 17576681 (cited by Labcorp Genetics (formerly Invitae), Labcorp); PubMed 9536098 (cited by Labcorp Genetics (formerly Invitae), Labcorp).

NM_003664.5(AP3B1):c.2992+3G>A

Gene: AP3B1 (adaptor related protein complex 3 subunit beta 1; minus strand). Cytogenetic location: 5q14.1.
Variant type: single nucleotide variant.
Coding change: c.2992+3G>A on transcript NM_003664.5 (MANE Select); 3 bases into the intron after coding-DNA position 2992, G replaced by A.
Molecular consequence: intron variant.
Genome position (GRCh38, 1-based): chr5:78,020,689, C>T on the plus strand (G>A on the coding strand, the complement: AP3B1 is on the minus strand). VCF-style: chr5-78020689-C-T. GRCh37 (hg19) VCF-style: chr5-77316513-C-T.
Other names: c.2992+3G>A (NM_003664.4); c.2845+3G>A (NM_001271769.2).
Identifiers: ClinVar variation 1036150 (VCV001036150.7), dbSNP rs779017901, ClinGen allele CA3316608.